The following is an entry in ClinVar:

NM_000531.6(OTC):c.1005G>A (p.Met335Ile)

Gene: OTC (ornithine transcarbamylase; plus strand). Cytogenetic location: Xp11.4.
Variant type: single nucleotide variant.
Coding change: c.1005G>A on transcript NM_000531.6 (MANE Select); coding-DNA position 1005, G replaced by A.
Protein change: p.Met335Ile; replaces methionine 335 with isoleucine.
Molecular consequence: missense variant.
Genome position (GRCh38, 1-based): chrX:38,411,999, G>A. VCF-style: chrX-38411999-G-A. GRCh37 (hg19) VCF-style: chrX-38271252-G-A.
Other names: short protein forms M335I.
Identifiers: ClinVar variation 97091 (VCV000097091.5), dbSNP rs281865553, ClinGen allele CA224432.

ClinVar aggregate classification (germline): Uncertain significance. Review status: criteria provided, single submitter (1 of 4 stars). 2 submissions from 2 submitters: Uncertain significance (1). 1 of the submissions does not count toward it. Last evaluated 2022-03-29.

Conditions:
Ornithine carbamoyltransferase deficiency (OTCD). Also called: ORNITHINE TRANSCARBAMYLASE DEFICIENCY, HYPERAMMONEMIA DUE TO; ORNITHINE TRANSCARBAMYLASE DEFICIENCY; OTC DEFICIENCY; Ornithine Carbamoyltransferase Deficiency Disease. Identifiers: Orphanet 664, MedGen C0268542, MONDO:0010703, OMIM 311250.

Submissions (3):

Labcorp Genetics (formerly Invitae), Labcorp
Classification: Uncertain significance for Ornithine carbamoyltransferase deficiency. Last evaluated: 2022-03-29. Review status: criteria provided, single submitter. Criteria: Invitae Variant Classification Sherloc (09022015). Collection method: clinical testing. Allele origin: germline.
Comment: This sequence change affects codon 335 of the OTC mRNA. It is a 'silent' change, meaning that it does not change the encoded amino acid sequence of the OTC protein. This variant also falls at the last nucleotide of exon 9, which is part of the consensus splice site for this exon. This variant is not present in population databases (gnomAD no frequency). This variant has been observed in individual(s) with ornithine transcarbamylase deficiency (PMID: 11793468, 30175132). ClinVar contains an entry for this variant (Variation ID: 97091). Algorithms developed to predict the effect of missense changes on protein structure and function are either unavailable or do not agree on the potential impact of this missense change (SIFT: "Deleterious"; PolyPhen-2: "Possibly Damaging"; Align-GVGD: "Class C0"). Variants that disrupt the consensus splice site are a relatively common cause of aberrant splicing (PMID: 17576681, 9536098). Algorithms developed to predict the effect of sequence changes on RNA splicing suggest that this variant may disrupt the consensus splice site. In summary, the available evidence is currently insufficient to determine the role of this variant in disease. Therefore, it has been classified as a Variant of Uncertain Significance.

Dr. Peter K. Rogan Lab, Western University
No classification provided (evidence only). Condition: Thyroid cancer, nonmedullary, 1. Review status: no classification provided. Collection method: in vitro. Allele origin: not applicable. Functional consequence: retained intron. Not counted in ClinVar's aggregate classification.

GenMed Metabolism Lab
Classification: Pathogenic. Review status: no assertion criteria provided. Collection method: not provided. Allele origin: unknown. Not counted in ClinVar's aggregate classification.
Comment: p.Met335Ile, Neonatal
ClinVar note: Converted during submission from pathogenic to Pathogenic.

Literature cited by the submitters: PubMed 11793468 (cited by Labcorp Genetics (formerly Invitae), Labcorp); PubMed 30175132 (cited by Labcorp Genetics (formerly Invitae), Labcorp); PubMed 17576681 (cited by Labcorp Genetics (formerly Invitae), Labcorp); PubMed 9536098 (cited by Labcorp Genetics (formerly Invitae), Labcorp).